The following is an entry in ClinVar:

ClinVar aggregate classification (germline): Uncertain significance (1 of 4 stars; one submission).

Allele frequency attached by ClinVar (database versions not stated): gnomAD 0.00001; TOPMed 0.00001.
gnomAD v4.1: 5 of 1,594,246 alleles (0.00031%); highest among the groups gnomAD compares: East Asian, 0.0091%; no homozygotes.

Submissions (2):

Women's Health and Genetics/Laboratory Corporation of America, LabCorp
Classification: Uncertain significance. Last evaluated: 2022-09-18. Review status: criteria provided, single submitter. Criteria: LabCorp Variant Classification Summary - May 2015. Collection method: clinical testing. Allele origin: germline.
Comment: Variant summary: TSEN54 c.285G>C (p.Ala95Ala) alters a non-conserved nucleotide located close to a canonical splice site and therefore could affect mRNA splicing, leading to a significantly altered protein sequence. Several computational tools predict a significant impact on normal splicing: Two predict the variant abolishes a canonical 5' splicing donor site, and two predict the variant weakens the same canonical 5' donor site. However, these predictions have yet to be confirmed by functional studies. The variant allele was found at a frequency of 4.7e-06 in 211182 control chromosomes (gnomAD). The available data on variant occurrences in the general population are insufficient to allow any conclusion about variant significance. c.285G>C has been reported in the literature as a biallelic genotype in at least one individual affected with Pontocerebellar Hypoplasia (Namavar_2011). These data do not allow any conclusion about variant significance. To our knowledge, no experimental evidence demonstrating an impact on protein function has been reported. No clinical diagnostic laboratories have submitted clinical-significance assessments for this variant to ClinVar after 2014. Based on the evidence outlined above, the variant was classified as uncertain significance.

Dr. Peter K. Rogan Lab, Western University
No classification provided (evidence only). Condition: Sarcoma. Review status: no classification provided. Collection method: in vitro. Allele origin: not applicable. Functional consequence: skipped exon, retained intron. Not counted in ClinVar's aggregate classification.

Literature cited by the submitters: PubMed 20952379 (cited by Women's Health and Genetics/Laboratory Corporation of America, LabCorp).

NM_207346.3(TSEN54):c.285G>C (p.Ala95=)

Gene: TSEN54 (tRNA splicing endonuclease subunit 54; plus strand). Cytogenetic location: 17q25.1.
Variant type: single nucleotide variant.
Coding change: c.285G>C on transcript NM_207346.3 (MANE Select); coding-DNA position 285, G replaced by C.
Protein change: p.Ala95=; no amino-acid change (alanine 95 retained).
Molecular consequence: synonymous variant.
Genome position (GRCh38, 1-based): chr17:75,517,072, G>C. VCF-style: chr17-75517072-G-C. GRCh37 (hg19) VCF-style: chr17-73513153-G-C.
Other names: NC_000017.10:g.73513153G>C.
Identifiers: ClinVar variation 1722491 (VCV001722491.2), dbSNP rs757071984, ClinGen allele CA8764020.